The following is an entry in ClinVar:

ClinVar aggregate classification (germline): Uncertain significance (1 of 4 stars; one submission).

gnomAD v4.1: 4 of 1,611,972 alleles (0.00025%); highest among the groups gnomAD compares: South Asian, 0.0022%; no homozygotes.

Submission:

Labcorp Genetics (formerly Invitae), Labcorp
Classification: Uncertain significance. Last evaluated: 2024-08-13. Review status: criteria provided, single submitter. Criteria: Invitae Variant Classification Sherloc (09022015). Collection method: clinical testing. Allele origin: germline.
Comment: This sequence change replaces glycine, which is neutral and non-polar, with serine, which is neutral and polar, at codon 1339 of the LAMA5 protein (p.Gly1339Ser). This variant is not present in population databases (gnomAD no frequency). This variant has not been reported in the literature in individuals affected with LAMA5-related conditions. An algorithm developed to predict the effect of missense changes on protein structure and function (PolyPhen-2) suggests that this variant is likely to be disruptive. In summary, the available evidence is currently insufficient to determine the role of this variant in disease. Therefore, it has been classified as a Variant of Uncertain Significance.

NM_005560.6(LAMA5):c.4015G>A (p.Gly1339Ser)

Gene: LAMA5 (laminin subunit alpha 5; minus strand). Cytogenetic location: 20q13.33.
Variant type: single nucleotide variant.
Coding change: c.4015G>A on transcript NM_005560.6 (MANE Select); coding-DNA position 4015, G replaced by A.
Protein change: p.Gly1339Ser; replaces glycine 1339 with serine.
Molecular consequence: missense variant.
Genome position (GRCh38, 1-based): chr20:62,329,881, C>T on the plus strand (G>A on the coding strand, the complement: LAMA5 is on the minus strand). VCF-style: chr20-62329881-C-T. GRCh37 (hg19) VCF-style: chr20-60904937-C-T.
Other names: short protein forms G1339S.
Identifiers: ClinVar variation 3685468 (VCV003685468.2).